The following is an entry in ClinVar:

NM_001040436.3(YARS2):c.922A>C (p.Arg308=)

Gene: YARS2 (tyrosyl-tRNA synthetase 2; minus strand). Cytogenetic location: 12p11.21.
Variant type: single nucleotide variant.
Coding change: c.922A>C on transcript NM_001040436.3 (MANE Select); coding-DNA position 922, A replaced by C.
Protein change: p.Arg308=; no amino-acid change (arginine 308 retained).
Molecular consequence: synonymous variant.
Genome position (GRCh38, 1-based): chr12:32,753,943, T>G on the plus strand (A>C on the coding strand, the complement: YARS2 is on the minus strand). VCF-style: chr12-32753943-T-G. GRCh37 (hg19) VCF-style: chr12-32906877-T-G.
Identifiers: ClinVar variation 1198694 (VCV001198694.28), dbSNP rs771643227, ClinGen allele CA6508069.

ClinVar aggregate classification (germline): Likely benign. Review status: criteria provided, multiple submitters, no conflicts (2 of 4 stars). 3 submissions from 3 submitters: Likely benign (3). Last evaluated 2024-10-22.

Allele frequency attached by ClinVar (database versions not stated): TOPMed below 0.00001; ExAC 0.00001; gnomAD 0.00001; gnomAD exomes 0.00001.
gnomAD v4.1: 11 of 1,614,122 alleles (0.00068%); highest among the groups gnomAD compares: Non-Finnish European, 0.00085%; no homozygotes.

Submissions (3):

Labcorp Genetics (formerly Invitae), Labcorp
Classification: Likely benign. Last evaluated: 2024-10-22. Review status: criteria provided, single submitter. Criteria: Invitae Variant Classification Sherloc (09022015). Collection method: clinical testing. Allele origin: germline.

CeGaT Center for Human Genetics Tuebingen
Classification: Likely benign. Last evaluated: 2022-03-01. Review status: criteria provided, single submitter. Criteria: CeGaT Center For Human Genetics Tuebingen Variant Classification Criteria Version 2. Collection method: clinical testing. Allele origin: germline. Affected: yes. Observed: 1 variant allele.
Comment: YARS2: BP4, BP7

GeneDx
Classification: Likely benign. Last evaluated: 2020-01-02. Review status: criteria provided, single submitter. Criteria: GeneDx Variant Classification Process June 2021. Collection method: clinical testing. Allele origin: germline. Affected: yes.